The following is an entry in ClinVar:

ClinVar aggregate classification (germline): Uncertain significance. Review status: criteria provided, multiple submitters, no conflicts (2 of 4 stars). 3 submissions from 3 submitters: Uncertain significance (3). Last evaluated 2025-07-15.

Conditions:
Inborn genetic diseases. Identifiers: MedGen C0950123, MeSH D030342.
Developmental and epileptic encephalopathy, 18 (DEE18). Also called: Early infantile epileptic encephalopathy 18. Identifiers: Orphanet 369894, MedGen C3809624, MONDO:0014201, OMIM 615476.

Allele frequency attached by ClinVar (database versions not stated): TOPMed 0.00001.
gnomAD v4.1: 5 of 1,614,092 alleles (0.00031%); highest among the groups gnomAD compares: Non-Finnish European, 0.00042%; no homozygotes.

Submissions (3):

Ambry Genetics
Classification: Uncertain significance for Inborn genetic diseases. Last evaluated: 2025-07-15. Review status: criteria provided, single submitter. Criteria: Ambry Variant Classification Scheme 2023. Collection method: clinical testing. Allele origin: germline.

Genome-Nilou Lab
Classification: Uncertain significance for Developmental and epileptic encephalopathy, 18. Last evaluated: 2023-04-11. Review status: criteria provided, single submitter. Criteria: ACMG Guidelines, 2015. Collection method: clinical testing. Allele origin: germline. Affected: no.

Labcorp Genetics (formerly Invitae), Labcorp
Classification: Uncertain significance. Last evaluated: 2022-05-29. Review status: criteria provided, single submitter. Criteria: Invitae Variant Classification Sherloc (09022015). Collection method: clinical testing. Allele origin: germline.
Comment: This sequence change replaces isoleucine, which is neutral and non-polar, with methionine, which is neutral and non-polar, at codon 2408 of the SZT2 protein (p.Ile2408Met). This variant is present in population databases (rs78858677, gnomAD 0.003%). This variant has not been reported in the literature in individuals affected with SZT2-related conditions. ClinVar contains an entry for this variant (Variation ID: 651923). Algorithms developed to predict the effect of missense changes on protein structure and function are either unavailable or do not agree on the potential impact of this missense change (SIFT: "Deleterious"; PolyPhen-2: "Probably Damaging"; Align-GVGD: "Class C0"). Algorithms developed to predict the effect of sequence changes on RNA splicing suggest that this variant may disrupt the consensus splice site. In summary, the available evidence is currently insufficient to determine the role of this variant in disease. Therefore, it has been classified as a Variant of Uncertain Significance.

NM_001365999.1(SZT2):c.7395T>G (p.Ile2465Met)

Gene: SZT2 (SZT2 subunit of KICSTOR complex; plus strand). Cytogenetic location: 1p34.2.
Variant type: single nucleotide variant.
Coding change: c.7395T>G on transcript NM_001365999.1 (MANE Select); coding-DNA position 7395, T replaced by G.
Protein change: p.Ile2465Met; replaces isoleucine 2465 with methionine.
Molecular consequence: missense variant.
Genome position (GRCh38, 1-based): chr1:43,441,264, T>G. VCF-style: chr1-43441264-T-G. GRCh37 (hg19) VCF-style: chr1-43906935-T-G.
Other names: c.7224T>G, p.Ile2408Met (NM_015284.4); short protein forms I2465M, I2408M.
Identifiers: ClinVar variation 651923 (VCV000651923.11), dbSNP rs78858677, ClinGen allele CA810219.